The following is an entry in ClinVar:

NM_024537.4(CARS2):c.1667G>C (p.Arg556Thr)

Gene: CARS2 (cysteinyl-tRNA synthetase 2, mitochondrial; minus strand). Cytogenetic location: 13q34.
Variant type: single nucleotide variant.
Coding change: c.1667G>C on transcript NM_024537.4 (MANE Select); coding-DNA position 1667, G replaced by C.
Protein change: p.Arg556Thr; replaces arginine 556 with threonine.
Molecular consequence: missense variant. On other transcripts: non-coding transcript variant (2).
Genome position (GRCh38, 1-based): chr13:110,641,565, C>G on the plus strand (G>C on the coding strand, the complement: CARS2 is on the minus strand). VCF-style: chr13-110641565-C-G. GRCh37 (hg19) VCF-style: chr13-111293912-C-G.
Other names: c.881G>C, p.Arg294Thr (NM_001352252.2); short protein forms R556T, R294T.
Identifiers: ClinVar variation 837989 (VCV000837989.9), dbSNP rs1191970053, ClinGen allele CA388739086.

ClinVar aggregate classification (germline): Uncertain significance (1 of 4 stars; one submission).

Conditions:
Combined oxidative phosphorylation defect type 27. Also called: Combined oxidative phosphorylation deficiency 27. Identifiers: Orphanet 477774, MedGen C5567608, MONDO:0014728, OMIM 616672.

Allele frequency attached by ClinVar (database versions not stated): gnomAD exomes below 0.00001; gnomAD 0.00001; TOPMed 0.00001.
gnomAD v4.1: 4 of 1,613,994 alleles (0.00025%); highest among the groups gnomAD compares: Non-Finnish European, 0.00034%; no homozygotes.

Submission:

Labcorp Genetics (formerly Invitae), Labcorp
Classification: Uncertain significance for Combined oxidative phosphorylation defect type 27. Last evaluated: 2025-01-06. Review status: criteria provided, single submitter. Criteria: Invitae Variant Classification Sherloc (09022015). Collection method: clinical testing. Allele origin: germline.
Comment: This sequence change replaces arginine, which is basic and polar, with threonine, which is neutral and polar, at codon 556 of the CARS2 protein (p.Arg556Thr). This variant is present in population databases (no rsID available, gnomAD 0.0009%). This variant has not been reported in the literature in individuals affected with CARS2-related conditions. ClinVar contains an entry for this variant (Variation ID: 837989). An algorithm developed to predict the effect of missense changes on protein structure and function (PolyPhen-2) suggests that this variant is likely to be tolerated. In summary, the available evidence is currently insufficient to determine the role of this variant in disease. Therefore, it has been classified as a Variant of Uncertain Significance.